The following is an entry in ClinVar:

ClinVar aggregate classification (germline): Uncertain significance (1 of 4 stars; one submission).

Allele frequency attached by ClinVar (database versions not stated): gnomAD exomes below 0.00001.

Submission:

GeneDx
Classification: Uncertain significance. Last evaluated: 2023-09-29. Review status: criteria provided, single submitter. Criteria: GeneDx Variant Classification Process June 2021. Collection method: clinical testing. Allele origin: germline. Affected: yes.
Comment: Not observed at significant frequency in large population cohorts (gnomAD); In silico analysis supports that this missense variant does not alter protein structure/function; Has not been previously published as pathogenic or benign to our knowledge

NM_001320.7(CSNK2B):c.422T>C (p.Met141Thr)

Gene: CSNK2B (casein kinase 2 beta; plus strand). Cytogenetic location: 6p21.33.
Variant type: single nucleotide variant.
Coding change: c.422T>C on transcript NM_001320.7 (MANE Select); coding-DNA position 422, T replaced by C.
Protein change: p.Met141Thr; replaces methionine 141 with threonine.
Molecular consequence: missense variant.
Genome position (GRCh38, 1-based): chr6:31,669,373, T>C. VCF-style: chr6-31669373-T-C. GRCh37 (hg19) VCF-style: chr6-31637150-T-C.
Other names: c.413T>C, p.Met138Thr (NM_001282385.2); short protein forms M138T, M141T.
Identifiers: ClinVar variation 3253496 (VCV003253496.1), dbSNP rs1562052640.